The following is an entry in ClinVar:

NM_000169.3(GLA):c.673C>T (p.His225Tyr)

Genes: GLA (galactosidase alpha; minus strand), RPL36A-HNRNPH2 (RPL36A-HNRNPH2 readthrough; plus strand). Cytogenetic location: Xq22.1.
Variant type: single nucleotide variant.
Coding change: c.673C>T on transcript NM_000169.3 (MANE Select); coding-DNA position 673, C replaced by T.
Protein change: p.His225Tyr; replaces histidine 225 with tyrosine.
Molecular consequence: missense variant. On other transcripts: non-coding transcript variant (3), intron variant (2).
Genome position (GRCh38, 1-based): chrX:101,398,913, G>A on the plus strand (C>T on the coding strand, the complement: GLA is on the minus strand). VCF-style: chrX-101398913-G-A. GRCh37 (hg19) VCF-style: chrX-100653901-G-A.
Other names: c.796C>T, p.His266Tyr (NM_001406747.1); c.673C>T, p.His225Tyr (NM_001406748.1); c.300+3456G>A (NM_001199973.2); c.177+7091G>A (NM_001199974.2); short protein forms H225Y, H266Y.
Identifiers: ClinVar variation 1332305 (VCV001332305.3), dbSNP rs1928196686, ClinGen allele CA413924949.

ClinVar aggregate classification (germline): Uncertain significance (1 of 4 stars; one submission).

Conditions:
Fabry disease. Also called: Fabry's disease; Ceramide trihexosidosis; Angiokeratoma corporis diffusum; ALPHA-GALACTOSIDASE A DEFICIENCY; ANDERSON-FABRY DISEASE; CERAMIDE TRIHEXOSIDASE DEFICIENCY. Identifiers: Orphanet 324, MedGen C0002986, MONDO:0010526, OMIM 301500, HP:0001071. Disease mechanism: Fabry disease is due to inactivating mutations in the X-linked GLA gene resulting in deficiency of the enzyme Alpha Galactosidase-A., loss of function.

Submission:

Color Diagnostics, LLC DBA Color Health
Classification: Uncertain significance for Fabry disease. Last evaluated: 2024-03-07. Review status: criteria provided, single submitter. Criteria: ACMG Guidelines, 2015. Collection method: clinical testing. Allele origin: germline.
Comment: This missense variant replaces histidine with tyrosine at codon 225 of the GLA protein. Computational prediction is inconclusive regarding the impact of this variant on protein structure and function (internally defined REVEL score threshold 0.5 < inconclusive < 0.7, PMID: 27666373). To our knowledge, functional studies have not been reported for this variant. This variant has not been reported in individuals affected with cardiovascular disorders in the literature. This variant has not been identified in the general population by the Genome Aggregation Database (gnomAD). The available evidence is insufficient to determine the role of this variant in disease conclusively. Therefore, this variant is classified as a Variant of Uncertain Significance.